The following is an entry in ClinVar:

NM_021930.6(RINT1):c.604C>A (p.Gln202Lys)

Gene: RINT1 (RAD50 interactor 1; plus strand). Cytogenetic location: 7q22.3.
Variant type: single nucleotide variant.
Coding change: c.604C>A on transcript NM_021930.6 (MANE Select); coding-DNA position 604, C replaced by A.
Protein change: p.Gln202Lys; replaces glutamine 202 with lysine.
Molecular consequence: missense variant. On other transcripts: 5 prime UTR variant (2), non-coding transcript variant (1), intron variant (1).
Genome position (GRCh38, 1-based): chr7:105,546,998, C>A. VCF-style: chr7-105546998-C-A. GRCh37 (hg19) VCF-style: chr7-105187445-C-A.
Other names: c.604C>A (NM_021930.4); c.370C>A, p.Gln124Lys (NM_001346599.2); c.-416C>A (NM_001346600.2); c.-319C>A (NM_001346601.2); c.-27-3057C>A (NM_001346603.2); short protein forms Q124K, Q202K.
Identifiers: ClinVar variation 998842 (VCV000998842.9), dbSNP rs1562847240, ClinGen allele CA368805500.

ClinVar aggregate classification (germline): Uncertain significance. Review status: criteria provided, multiple submitters, no conflicts (2 of 4 stars). 2 submissions from 2 submitters: Uncertain significance (2). Last evaluated 2024-09-09.

Submissions (2):

Ambry Genetics
Classification: Uncertain significance. Last evaluated: 2024-09-09. Review status: criteria provided, single submitter. Criteria: Ambry Variant Classification Scheme 2023. Collection method: clinical testing. Allele origin: germline.
Comment: The p.Q202K variant (also known as c.604C>A), located in coding exon 5 of the RINT1 gene, results from a C to A substitution at nucleotide position 604. The glutamine at codon 202 is replaced by lysine, an amino acid with similar properties. This amino acid position is conserved. In addition, this alteration is predicted to be tolerated by in silico analysis. Based on the available evidence, the clinical significance of this variant remains unclear.

Labcorp Genetics (formerly Invitae), Labcorp
Classification: Uncertain significance. Last evaluated: 2017-12-16. Review status: criteria provided, single submitter. Criteria: Invitae Variant Classification Sherloc (09022015). Collection method: clinical testing. Allele origin: germline.
Comment: In summary, the available evidence is currently insufficient to determine the role of this variant in disease. Therefore, it has been classified as a Variant of Uncertain Significance. Algorithms developed to predict the effect of missense changes on protein structure and function output the following: SIFT: "Tolerated"; PolyPhen-2: "Benign"; Align-GVGD: "Class C0". The lysine amino acid residue is found in multiple mammalian species, suggesting that this missense change does not adversely affect protein function. These predictions have not been confirmed by published functional studies and their clinical significance is uncertain. This variant has not been reported in the literature in individuals with RINT1-related disease. This variant is not present in population databases (ExAC no frequency). This sequence change replaces glutamine with lysine at codon 202 of the RINT1 protein (p.Gln202Lys). The glutamine residue is moderately conserved and there is a small physicochemical difference between glutamine and lysine.